The following is an entry in ClinVar:

ClinVar aggregate classification (germline): Uncertain significance (1 of 4 stars; one submission).

Conditions:
Neurodevelopmental disorder with or without hyperkinetic movements and seizures, autosomal dominant. Also called: Intellectual disability, autosomal dominant 8. Identifiers: MedGen C3280282, MONDO:0013655, OMIM 614254.

Submission:

Labcorp Genetics (formerly Invitae), Labcorp
Classification: Uncertain significance for Neurodevelopmental disorder with or without hyperkinetic movements and seizures, autosomal dominant. Last evaluated: 2024-09-04. Review status: criteria provided, single submitter. Criteria: Invitae Variant Classification Sherloc (09022015). Collection method: clinical testing. Allele origin: germline.
Comment: This sequence change replaces isoleucine, which is neutral and non-polar, with threonine, which is neutral and polar, at codon 619 of the GRIN1 protein (p.Ile619Thr). This variant is not present in population databases (gnomAD no frequency). This variant has not been reported in the literature in individuals affected with GRIN1-related conditions. Invitae Evidence Modeling of protein sequence and biophysical properties (such as structural, functional, and spatial information, amino acid conservation, physicochemical variation, residue mobility, and thermodynamic stability) has been performed for this missense variant. However, the output from this modeling did not meet the statistical confidence thresholds required to predict the impact of this variant on GRIN1 protein function. In summary, the available evidence is currently insufficient to determine the role of this variant in disease. Therefore, it has been classified as a Variant of Uncertain Significance.

NM_007327.4(GRIN1):c.1856T>C (p.Ile619Thr)

Gene: GRIN1 (glutamate ionotropic receptor NMDA type subunit 1; plus strand). Cytogenetic location: 9q34.3.
Variant type: single nucleotide variant.
Coding change: c.1856T>C on transcript NM_007327.4 (MANE Select); coding-DNA position 1856, T replaced by C.
Protein change: p.Ile619Thr; replaces isoleucine 619 with threonine.
Molecular consequence: missense variant.
Genome position (GRCh38, 1-based): chr9:137,162,508, T>C. VCF-style: chr9-137162508-T-C. GRCh37 (hg19) VCF-style: chr9-140056960-T-C.
Other names: c.1856T>C, p.Ile619Thr (NM_000832.7, NM_021569.4); c.1919T>C, p.Ile640Thr (NM_001185090.2, NM_001185091.2); short protein forms I640T, I619T.
Identifiers: ClinVar variation 3664484 (VCV003664484.2).